The following is an entry in ClinVar:

NM_005908.4(MANBA):c.1073T>C (p.Ile358Thr)

Gene: MANBA (mannosidase beta; minus strand). Cytogenetic location: 4q24.
Variant type: single nucleotide variant.
Coding change: c.1073T>C on transcript NM_005908.4 (MANE Select); coding-DNA position 1073, T replaced by C.
Protein change: p.Ile358Thr; replaces isoleucine 358 with threonine.
Molecular consequence: missense variant.
Genome position (GRCh38, 1-based): chr4:102,673,958, A>G on the plus strand (T>C on the coding strand, the complement: MANBA is on the minus strand). VCF-style: chr4-102673958-A-G. GRCh37 (hg19) VCF-style: chr4-103595115-A-G.
Other names: short protein forms I358T.
Identifiers: ClinVar variation 1380001 (VCV001380001.6), dbSNP rs2110226355, ClinGen allele CA357764593.

ClinVar aggregate classification (germline): Uncertain significance (1 of 4 stars; one submission).

Conditions:
Beta-D-mannosidosis (MANSB). Also called: MANNOSIDOSIS, BETA A, LYSOSOMAL; BETA-MANNOSIDASE DEFICIENCY; LYSOSOMAL BETA-MANNOSIDASE DEFICIENCY; Beta-Mannosidosis. Identifiers: Orphanet 118, MedGen C4048196, MONDO:0009562, OMIM 248510.

Submission:

Labcorp Genetics (formerly Invitae), Labcorp
Classification: Uncertain significance for Beta-D-mannosidosis. Last evaluated: 2022-09-13. Review status: criteria provided, single submitter. Criteria: Invitae Variant Classification Sherloc (09022015). Collection method: clinical testing. Allele origin: germline.
Comment: This variant has not been reported in the literature in individuals affected with MANBA-related conditions. In summary, the available evidence is currently insufficient to determine the role of this variant in disease. Therefore, it has been classified as a Variant of Uncertain Significance. Algorithms developed to predict the effect of missense changes on protein structure and function (SIFT, PolyPhen-2, Align-GVGD) all suggest that this variant is likely to be disruptive. ClinVar contains an entry for this variant (Variation ID: 1380001). This variant is not present in population databases (gnomAD no frequency). This sequence change replaces isoleucine, which is neutral and non-polar, with threonine, which is neutral and polar, at codon 358 of the MANBA protein (p.Ile358Thr).